The following is an entry in ClinVar:

ClinVar aggregate classification (germline): Uncertain significance. Review status: reviewed by expert panel (3 of 4 stars). 6 submissions from 6 submitters: Uncertain significance (1). 5 of the submissions do not count toward it. Last evaluated 2026-04-20.

Conditions:
Deficiency of guanidinoacetate methyltransferase (CCDS2). Also called: CEREBRAL CREATINE DEFICIENCY SYNDROME 2; GAMT DEFICIENCY; Guanidinoacetate Methyltransferase (GAMT) Deficiency. Identifiers: Orphanet 382, MedGen C0574080, MONDO:0012999, OMIM 612736.
Cerebral creatine deficiency syndrome. Also called: Creatine deficiency syndromes. Identifiers: Orphanet 79172, MedGen C5244016, MONDO:0000456.

Allele frequency attached by ClinVar (database versions not stated): ExAC 0.00014; ESP Exome Variant Server 0.00015; TOPMed 0.00015; 1000 Genomes Project 30x 0.00016; gnomAD 0.00017 and 0.00019.
gnomAD v4.1: 243 of 1,611,480 alleles (0.015%); highest among the groups gnomAD compares: Non-Finnish European, 0.019%; no homozygotes.

Submissions (6):

ClinGen Cerebral Creatine Deficiency Syndromes Variant Curation Expert Panel, ClinGen
Classification: Uncertain significance for Deficiency of guanidinoacetate methyltransferase. Last evaluated: 2026-04-20. Review status: reviewed by expert panel. Criteria: ClinGen CCDS ACMG Specifications GAMT V2.0.0. Collection method: curation. Allele origin: germline. Inheritance: Autosomal recessive inheritance.
Comment: The NM_000156.6:c.328-10C>T variant in GAMT is an intronic variant that alters a nucleotide within the consensus splice site of intron 2. To our knowledge, this variant has not been reported in the literature among individuals with GAMT deficiency and results of functional studies are unavailable. The highest population minor allele frequency in gnomAD v4.1.0. is 0.0003385 (10/29542 alleles) in the Ashkenazi Jewish population, followed by 0.0001857 (219/1179100) in the European non-Finnish population, both of which are lower than the ClinGen CCDS VCEP’s threshold for PM2_Supporting (<0.0004), meeting this criterion (PM2_Supporting). The computational splicing predictor SpliceAI gives a score of 0.03 for acceptor loss suggesting that the variant has no impact on splicing (BP4). There is a ClinVar entry for this variant (Variation ID: 328349). In summary, this variant meets the criteria to be classified as a variant of uncertain significance for GAMT deficiency based on the GAMT-specific ACMG/AMP criteria applied, as specified by the ClinGen Cerebral Creatine Deficiency Syndromes Variant Curation Expert Panel (Specifications Version 2.0.0): PM2_Supporting, BP4. (Classification approved by the ClinGen Cerebral Creatine Deficiency Syndromes Variant Curation Expert Panel on April 20, 2026).

Labcorp Genetics (formerly Invitae), Labcorp
Classification: Likely benign for Cerebral creatine deficiency syndrome. Last evaluated: 2026-01-27. Review status: criteria provided, single submitter. Criteria: Invitae Variant Classification Sherloc (09022015). Collection method: clinical testing. Allele origin: germline. Not counted in ClinVar's aggregate classification.

Blueprint Genetics
Classification: Likely benign. Last evaluated: 2024-10-17. Review status: criteria provided, single submitter. Criteria: ACMG Guidelines, 2015. Collection method: clinical testing. Allele origin: germline. Not counted in ClinVar's aggregate classification.

GeneDx
Classification: Likely benign. Last evaluated: 2021-01-18. Review status: criteria provided, single submitter. Criteria: GeneDx Variant Classification Process June 2021. Collection method: clinical testing. Allele origin: germline. Affected: yes. Not counted in ClinVar's aggregate classification.
Comment: This variant is associated with the following publications: (PMID: 26003046)

Athena Diagnostics
Classification: Likely benign. Last evaluated: 2020-11-24. Review status: criteria provided, single submitter. Criteria: Athena Diagnostics criteria. Collection method: clinical testing. Allele origin: unknown. Not counted in ClinVar's aggregate classification.

Illumina Laboratory Services, Illumina
Classification: Uncertain significance for Deficiency of guanidinoacetate methyltransferase. Last evaluated: 2018-01-12. Review status: criteria provided, single submitter. Criteria: ICSL Variant Classification Criteria 13 December 2019. Collection method: clinical testing. Allele origin: germline. Not counted in ClinVar's aggregate classification.

NM_000156.6(GAMT):c.328-10C>T

Gene: GAMT (guanidinoacetate N-methyltransferase; minus strand). Cytogenetic location: 19p13.3.
Variant type: single nucleotide variant.
Coding change: c.328-10C>T on transcript NM_000156.6 (MANE Select); 10 bases into the intron before coding-DNA position 328, C replaced by T.
Molecular consequence: intron variant.
Genome position (GRCh38, 1-based): chr19:1,399,597, G>A on the plus strand (C>T on the coding strand, the complement: GAMT is on the minus strand). VCF-style: chr19-1399597-G-A. GRCh37 (hg19) VCF-style: chr19-1399596-G-A.
Other names: c.328-10C>T (NM_138924.3).
Identifiers: ClinVar variation 328349 (VCV000328349.20), dbSNP rs371511930, ClinGen allele CA9043721.
Genomic context (GRCh38, chr19:1,399,597, plus strand): 5'-GTCAGGCAGGGTGGGTGCCACATCCTCCCACAGGCCTTTCAAGGGGATGACCTTGCAGAG[G>A]GGAAAAGAAAAAGAGAGGACAGGGTAGAGAGGTCCCCAGGATCTCCCCACCTGCAGAAAG-3'